The following is an entry in ClinVar:

NM_025137.4(SPG11):c.2379G>A (p.Val793=)

Gene: SPG11 (SPG11 vesicle trafficking associated, spatacsin; minus strand). Cytogenetic location: 15q21.1.
Variant type: single nucleotide variant.
Coding change: c.2379G>A on transcript NM_025137.4 (MANE Select); coding-DNA position 2379, G replaced by A.
Protein change: p.Val793=; no amino-acid change (valine 793 retained).
Molecular consequence: synonymous variant.
Genome position (GRCh38, 1-based): chr15:44,622,285, C>T on the plus strand (G>A on the coding strand, the complement: SPG11 is on the minus strand). VCF-style: chr15-44622285-C-T. GRCh37 (hg19) VCF-style: chr15-44914483-C-T.
Other names: c.2379G>A, p.Val793= (NM_001160227.2).
Identifiers: ClinVar variation 701309 (VCV000701309.42), dbSNP rs202245950, ClinGen allele CA7535263.

ClinVar aggregate classification (germline): Likely benign. Review status: criteria provided, multiple submitters, no conflicts (2 of 4 stars). 6 submissions from 4 submitters: Likely benign (6). Last evaluated 2025-12-08.

Conditions:
Amyotrophic lateral sclerosis type 5 (ALS5). Also called: AMYOTROPHIC LATERAL SCLEROSIS 5, JUVENILE. Identifiers: Orphanet 300605, MedGen C1865864, MONDO:0011196, OMIM 602099.
SPG11-related disorder. Also called: SPG11-related condition.
Charcot-Marie-Tooth disease axonal type 2X. Also called: CHARCOT-MARIE-TOOTH DISEASE, AXONAL, AUTOSOMAL RECESSIVE, TYPE 2X; CHARCOT-MARIE-TOOTH NEUROPATHY, TYPE 2X. Identifiers: Orphanet 466775, MedGen C5569024, MONDO:0014726, OMIM 616668.
Hereditary spastic paraplegia 11. Also called: Spastic paraplegia, mental retardation and thin corpus callosum; Spastic Paraplegia 11; SPASTIC PARAPLEGIA, AUTOSOMAL RECESSIVE, COMPLICATED, WITH THIN CORPUS CALLOSUM; SPASTIC PARAPLEGIA, AUTOSOMAL RECESSIVE, WITH MENTAL IMPAIRMENT AND THIN CORPUS CALLOSUM; Nakamura Osame syndrome; Autosomal recessive hereditary spastic paraplegia, mental impairment, and thin corpus callosum. Identifiers: Orphanet 2822, MedGen C1858479, MONDO:0011445, OMIM 604360.

Allele frequency attached by ClinVar (database versions not stated): gnomAD 0.00001; TOPMed 0.00003.
gnomAD v4.1: 142 of 1,597,520 alleles (0.0089%); highest among the groups gnomAD compares: Non-Finnish European, 0.011%; no homozygotes.

Submissions (6):

Labcorp Genetics (formerly Invitae), Labcorp
Classification: Likely benign for Hereditary spastic paraplegia 11. Last evaluated: 2025-12-08. Review status: criteria provided, single submitter. Criteria: Invitae Variant Classification Sherloc (09022015). Collection method: clinical testing. Allele origin: germline.

PreventionGenetics, part of Exact Sciences
Classification: Likely benign for SPG11-related condition. Last evaluated: 2025-09-11. Review status: criteria provided, single submitter. Criteria: ACMG Guidelines, 2015. Collection method: clinical testing. Allele origin: germline.
Comment: This variant is classified as likely benign based on ACMG/AMP sequence variant interpretation guidelines (Richards et al. 2015 PMID: 25741868, with internal and published modifications).

CeGaT Center for Human Genetics Tuebingen
Classification: Likely benign. Last evaluated: 2025-07-01. Review status: criteria provided, single submitter. Criteria: CeGaT Center For Human Genetics Tuebingen Variant Classification Criteria Version 2. Collection method: clinical testing. Allele origin: germline. Affected: yes. Observed: 2 variant alleles.
Comment: SPG11: BP4, BP7

Genome-Nilou Lab
Classification: Likely benign for Amyotrophic lateral sclerosis type 5. Review status: criteria provided, single submitter. Criteria: ACMG Guidelines, 2015. Collection method: clinical testing. Allele origin: germline.

Genome-Nilou Lab
Classification: Likely benign for Charcot-Marie-Tooth disease axonal type 2X. Review status: criteria provided, single submitter. Criteria: ACMG Guidelines, 2015. Collection method: clinical testing. Allele origin: germline.

Genome-Nilou Lab
Classification: Likely benign for Hereditary spastic paraplegia 11. Review status: criteria provided, single submitter. Criteria: ACMG Guidelines, 2015. Collection method: clinical testing. Allele origin: germline.